The following is an entry in ClinVar:

NM_005027.4(PIK3R2):c.1031T>C (p.Leu344Pro)

Gene: PIK3R2 (phosphoinositide-3-kinase regulatory subunit 2; plus strand). Cytogenetic location: 19p13.11.
Variant type: single nucleotide variant.
Coding change: c.1031T>C on transcript NM_005027.4 (MANE Select); coding-DNA position 1031, T replaced by C.
Protein change: p.Leu344Pro; replaces leucine 344 with proline.
Molecular consequence: missense variant. On other transcripts: non-coding transcript variant (2).
Genome position (GRCh38, 1-based): chr19:18,162,428, T>C. VCF-style: chr19-18162428-T-C. GRCh37 (hg19) VCF-style: chr19-18273238-T-C.
Other names: short protein forms L344P.
Identifiers: ClinVar variation 4741173 (VCV004741173.1).

ClinVar aggregate classification (germline): Uncertain significance (1 of 4 stars; one submission).

Conditions:
Megalencephaly-polymicrogyria-postaxial polydactyly-hydrocephalus syndrome. Also called: MEG-PMG-MEGACC SYNDROME; MPPH Syndrome. Identifiers: Orphanet 83473, MedGen C1863924, MONDO:0019375.

Submission:

Labcorp Genetics (formerly Invitae), Labcorp
Classification: Uncertain significance for Megalencephaly-polymicrogyria-postaxial polydactyly-hydrocephalus syndrome. Last evaluated: 2025-10-29. Review status: criteria provided, single submitter. Criteria: Invitae Variant Classification Sherloc (09022015). Collection method: clinical testing. Allele origin: germline.
Comment: This sequence change replaces leucine, which is neutral and non-polar, with proline, which is neutral and non-polar, at codon 344 of the PIK3R2 protein (p.Leu344Pro). This variant is not present in population databases (gnomAD no frequency). This variant has not been reported in the literature in individuals affected with PIK3R2-related conditions. Invitae Evidence Modeling of protein sequence and biophysical properties (such as structural, functional, and spatial information, amino acid conservation, physicochemical variation, residue mobility, and thermodynamic stability) indicates that this missense variant is not expected to disrupt PIK3R2 protein function with a negative predictive value of 80%. In summary, the available evidence is currently insufficient to determine the role of this variant in disease. Therefore, it has been classified as a Variant of Uncertain Significance.